The following is an entry in ClinVar:

ClinVar aggregate classification (germline): Conflicting classifications of pathogenicity. Review status: criteria provided, conflicting classifications (1 of 4 stars). 2 submissions from 2 submitters: Uncertain significance (1); Likely benign (1). Last evaluated 2024-01-01.

Allele frequency attached by ClinVar (database versions not stated): gnomAD 0.00007; TOPMed 0.00008; 1000 Genomes Project 30x 0.00031; 1000 Genomes Project 0.00040.
gnomAD v4.1: 43 of 1,612,694 alleles (0.0027%); highest among the groups gnomAD compares: East Asian, 0.013%; no homozygotes.

Submissions (2):

CeGaT Center for Human Genetics Tuebingen
Classification: Likely benign. Last evaluated: 2024-01-01. Review status: criteria provided, single submitter. Criteria: CeGaT Center For Human Genetics Tuebingen Variant Classification Criteria Version 2. Collection method: clinical testing. Allele origin: germline. Affected: yes. Observed: 1 variant allele.
Comment: UHRF1: BP4

Ambry Genetics
Classification: Uncertain significance. Last evaluated: 2021-09-15. Review status: criteria provided, single submitter. Criteria: Ambry Variant Classification Scheme 2023. Collection method: clinical testing. Allele origin: germline.

NM_001048201.3(UHRF1):c.881T>C (p.Met294Thr)

Gene: UHRF1 (ubiquitin like with PHD and ring finger domains 1; plus strand). Cytogenetic location: 19p13.3.
Variant type: single nucleotide variant.
Coding change: c.881T>C on transcript NM_001048201.3 (MANE Select); coding-DNA position 881, T replaced by C.
Protein change: p.Met294Thr; replaces methionine 294 with threonine.
Molecular consequence: missense variant.
Genome position (GRCh38, 1-based): chr19:4,941,623, T>C. VCF-style: chr19-4941623-T-C. GRCh37 (hg19) VCF-style: chr19-4941635-T-C.
Other names: c.881T>C, p.Met294Thr (NM_001290050.2, NM_001290051.2, NM_001290052.2); c.920T>C, p.Met307Thr (NM_013282.5); short protein forms M294T, M307T.
Identifiers: ClinVar variation 2207521 (VCV002207521.24), dbSNP rs527736027, ClinGen allele CA9106675.